The following is an entry in ClinVar:

ClinVar aggregate classification (germline): Pathogenic. Review status: criteria provided, multiple submitters, no conflicts (2 of 4 stars). 2 submissions from 2 submitters: Pathogenic (2). Last evaluated 2026-01-08.

Conditions:
Charcot-Marie-Tooth disease, type I (CMT1). Also called: Charcot-Marie-Tooth disease type 1; Charcot-Marie-Tooth, Type 1. Identifiers: Orphanet 65753, MedGen C0751036, MONDO:0019011.
Hereditary liability to pressure palsies (HNPP). Also called: POLYNEUROPATHY, FAMILIAL RECURRENT; TOMACULOUS NEUROPATHY; Hereditary Neuropathy with Liability to Pressure Palsies. Identifiers: Orphanet 640, MedGen C0393814, MONDO:0008087, OMIM 162500.

Submissions (2):

Labcorp Genetics (formerly Invitae), Labcorp
Classification: Pathogenic for Charcot-Marie-Tooth disease, type I. Last evaluated: 2026-01-08. Review status: criteria provided, single submitter. Criteria: Invitae Variant Classification Sherloc (09022015). Collection method: clinical testing. Allele origin: germline.
Comment: This sequence change creates a premature translational stop signal (p.Trp28*) in the PMP22 gene. It is expected to result in an absent or disrupted protein product. Loss-of-function variants in PMP22 are known to be pathogenic (PMID: 23224996). This variant is not present in population databases (gnomAD no frequency). This premature translational stop signal has been observed in individual(s) with hereditary neuropathy with liability to pressure palsies (internal data). ClinVar contains an entry for this variant (Variation ID: 531680). For these reasons, this variant has been classified as Pathogenic.

3billion
Classification: Pathogenic for Hereditary liability to pressure palsies. Last evaluated: 2024-11-22. Review status: criteria provided, single submitter. Criteria: ACMG Guidelines, 2015. Collection method: clinical testing. Allele origin: germline. Affected: yes.
Comment: The variant is not observed in the gnomAD v4.1.0 dataset. Predicted Consequence/Location: Stop-gained (nonsense): predicted to result in a loss or disruption of normal protein function through nonsense-mediated decay (NMD) or protein truncation. Multiple pathogenic variants are reported downstream of the variant. The variant has been reported to be associated with PMP22 related disorder (ClinVar ID: VCV000531680). Therefore, this variant is classified as Pathogenic according to the recommendation of ACMG/AMP guideline.

Literature cited by the submitters: PubMed 23224996 (cited by Labcorp Genetics (formerly Invitae), Labcorp).

NM_000304.4(PMP22):c.83G>A (p.Trp28Ter)

Gene: PMP22 (peripheral myelin protein 22; minus strand). Cytogenetic location: 17p12.
Variant type: single nucleotide variant.
Coding change: c.83G>A on transcript NM_000304.4 (MANE Select); coding-DNA position 83, G replaced by A.
Protein change: p.Trp28Ter; replaces tryptophan 28 with a stop codon.
Molecular consequence: nonsense. On other transcripts: non-coding transcript variant (1).
Genome position (GRCh38, 1-based): chr17:15,259,189, C>T on the plus strand (G>A on the coding strand, the complement: PMP22 is on the minus strand). VCF-style: chr17-15259189-C-T. GRCh37 (hg19) VCF-style: chr17-15162506-C-T.
Other names: c.83G>A, p.Trp28Ter (NM_001281455.2, NM_001281456.2, NM_001330143.2 and 2 more transcripts); short protein forms W28*.
Identifiers: ClinVar variation 531680 (VCV000531680.8), dbSNP rs1555568475, ClinGen allele CA398271192.